The following is an entry in ClinVar:

ClinVar aggregate classification (germline): Uncertain significance. Review status: criteria provided, multiple submitters, no conflicts (2 of 4 stars). 2 submissions from 2 submitters: Uncertain significance (2). Last evaluated 2022-11-18.

Conditions:
Inborn genetic diseases. Identifiers: MedGen C0950123, MeSH D030342.

Allele frequency attached by ClinVar (database versions not stated): gnomAD exomes below 0.00001 and 0.00001; gnomAD 0.00001; TOPMed 0.00002.

Submissions (2):

Ambry Genetics
Classification: Uncertain significance for Inborn genetic diseases. Last evaluated: 2022-11-18. Review status: criteria provided, single submitter. Criteria: Ambry Variant Classification Scheme 2023. Collection method: clinical testing. Allele origin: germline.

Labcorp Genetics (formerly Invitae), Labcorp
Classification: Uncertain significance. Last evaluated: 2021-04-28. Review status: criteria provided, single submitter. Criteria: Invitae Variant Classification Sherloc (09022015). Collection method: clinical testing. Allele origin: germline.
Comment: In summary, the available evidence is currently insufficient to determine the role of this variant in disease. Therefore, it has been classified as a Variant of Uncertain Significance. Algorithms developed to predict the effect of missense changes on protein structure and function (SIFT, PolyPhen-2, Align-GVGD) all suggest that this variant is likely to be tolerated, but these predictions have not been confirmed by published functional studies and their clinical significance is uncertain. This variant has not been reported in the literature in individuals with RBP3-related conditions. This variant is not present in population databases (ExAC no frequency). This sequence change replaces cysteine with tyrosine at codon 14 of the RBP3 protein (p.Cys14Tyr). The cysteine residue is weakly conserved and there is a large physicochemical difference between cysteine and tyrosine.

NM_002900.3(RBP3):c.41G>A (p.Cys14Tyr)

Gene: RBP3 (retinol binding protein 3; plus strand). Cytogenetic location: 10q11.22.
Variant type: single nucleotide variant.
Coding change: c.41G>A on transcript NM_002900.3 (MANE Select); coding-DNA position 41, G replaced by A.
Protein change: p.Cys14Tyr; replaces cysteine 14 with tyrosine.
Molecular consequence: missense variant.
Genome position (GRCh38, 1-based): chr10:47,348,525, G>A. VCF-style: chr10-47348525-G-A. GRCh37 (hg19) VCF-style: chr10-48390837-C-T.
Other names: c.41G>A (NM_002900.2); short protein forms C14Y.
Identifiers: ClinVar variation 1349677 (VCV001349677.7), dbSNP rs1164675770, ClinGen allele CA376663794.